The following is an entry in ClinVar:

ClinVar aggregate classification (germline): Likely benign (0 of 4 stars; one submission).

Conditions:
TTN-related disorder. Also called: TTN-related condition; TTN-related disease; TTN-related disorders.

Submission:

PreventionGenetics, part of Exact Sciences
Classification: Likely benign for TTN-related condition. Last evaluated: 2022-04-18. Review status: no assertion criteria provided. Collection method: clinical testing. Allele origin: germline.
Comment: This variant is classified as likely benign based on ACMG/AMP sequence variant interpretation guidelines (Richards et al. 2015 PMID: 25741868, with internal and published modifications).

NM_001267550.2(TTN):c.11311+3117T>G

Gene: TTN (titin; minus strand). Cytogenetic location: 2q31.2.
Variant type: single nucleotide variant.
Coding change: c.11311+3117T>G on transcript NM_001267550.2 (MANE Select); 3117 bases into the intron after coding-DNA position 11311, T replaced by G.
Molecular consequence: intron variant. On other transcripts: synonymous variant (1).
Genome position (GRCh38, 1-based): chr2:178,750,007, A>C on the plus strand (T>G on the coding strand, the complement: TTN is on the minus strand). VCF-style: chr2-178750007-A-C. GRCh37 (hg19) VCF-style: chr2-179614734-A-C.
Other names: c.12393T>G, p.Pro4131= (NM_133379.5); c.10222+3117T>G (NM_003319.4); c.10798+3117T>G (NM_133437.4); c.10597+3117T>G (NM_133432.3); c.10360+3117T>G (NM_133378.4, NM_001256850.1).
Identifiers: ClinVar variation 3052843 (VCV003052843.2), dbSNP rs1267295868, ClinGen allele CA2740096281.